The following is an entry in ClinVar:

NM_025179.4(PLXNA2):c.770C>T (p.Thr257Ile)

Gene: PLXNA2 (plexin A2; minus strand). Cytogenetic location: 1q32.2.
Variant type: single nucleotide variant.
Coding change: c.770C>T on transcript NM_025179.4 (MANE Select); coding-DNA position 770, C replaced by T.
Protein change: p.Thr257Ile; replaces threonine 257 with isoleucine.
Molecular consequence: missense variant.
Genome position (GRCh38, 1-based): chr1:208,217,153, G>A on the plus strand (C>T on the coding strand, the complement: PLXNA2 is on the minus strand). VCF-style: chr1-208217153-G-A. GRCh37 (hg19) VCF-style: chr1-208390498-G-A.
Other names: short protein forms T257I.
Identifiers: ClinVar variation 4985481 (VCV004985481.1).
Genomic context (GRCh38, chr1:208,217,153, plus strand): 5'-GTGTAGAAGAGGTCTCCAGCGGAGTTGATGGCCACACCCTCAGGGGTCTCGGGCTGGACA[G>A]TGAGAAAGTAGACAAAGCCCCCACTAGCAAAGCCGTAGATGTAGAAGATGTCAAAGTGGG-3'
Protein context (NP_079455.3, residues 247-267): FASGGFVYFL[Thr257Ile]VQPETPEGVA

ClinVar aggregate classification (germline): Uncertain significance (1 of 4 stars; one submission).

Conditions:
PLXNA2-related disorder. Also called: PLXNA2-related condition.

gnomAD v4.1: 3 of 1,614,122 alleles (0.00019%); highest among the groups gnomAD compares: African/African-American, 0.0013%; no homozygotes.

Submission:

PreventionGenetics, part of Exact Sciences
Classification: Uncertain significance for PLXNA2-related condition. Last evaluated: 2025-01-17. Review status: criteria provided, single submitter. Criteria: ACMG Guidelines, 2015. Collection method: clinical testing. Allele origin: germline.
Comment: The PLXNA2 c.770C>T variant is predicted to result in the amino acid substitution p.Thr257Ile. To our knowledge, this variant has not been reported in the literature. This variant is reported in 0.011% of alleles in individuals of African descent in gnomAD. At this time, the clinical significance of this variant is uncertain due to the absence of conclusive functional and genetic evidence.